The following is an entry in ClinVar:

NM_024757.5(EHMT1):c.823+1G>T

Gene: EHMT1 (euchromatic histone lysine methyltransferase 1; plus strand). Cytogenetic location: 9q34.3.
Variant type: single nucleotide variant.
Coding change: c.823+1G>T on transcript NM_024757.5 (MANE Select); the canonical splice donor site of the intron after coding-DNA position 823, G replaced by T.
Molecular consequence: splice donor variant.
Genome position (GRCh38, 1-based): chr9:137,728,530, G>T. VCF-style: chr9-137728530-G-T. GRCh37 (hg19) VCF-style: chr9-140622982-G-T.
Other names: c.823+1G>T (NM_001354263.2, NM_001145527.2, NM_001354611.2); c.730+1G>T (NM_001354259.2, NM_001354612.2).
Identifiers: ClinVar variation 3769823 (VCV003769823.1).

ClinVar aggregate classification (germline): Pathogenic (1 of 4 stars; one submission).

Submission:

GeneDx
Classification: Pathogenic. Last evaluated: 2024-09-17. Review status: criteria provided, single submitter. Criteria: GeneDx Variant Classification Process June 2021. Collection method: clinical testing. Allele origin: germline. Affected: yes.
Comment: Not observed at significant frequency in large population cohorts (gnomAD); Canonical splice site variant predicted to result in a null allele in a gene for which loss of function is a known mechanism of disease; This variant is associated with the following publications: (PMID: 33834462)